The following is an entry in ClinVar:

ClinVar aggregate classification (germline): Uncertain significance. Review status: criteria provided, multiple submitters, no conflicts (2 of 4 stars). 2 submissions from 2 submitters: Uncertain significance (2). Last evaluated 2026-07-16.

Conditions:
Inborn genetic diseases. Identifiers: MedGen C0950123, MeSH D030342.

Allele frequency attached by ClinVar (database versions not stated): gnomAD 0.00007; ExAC 0.00008; TOPMed 0.00009; 1000 Genomes Project 30x 0.00016; 1000 Genomes Project 0.00020.
gnomAD v4.1: 63 of 1,610,050 alleles (0.0039%); highest among the groups gnomAD compares: Admixed American, 0.012%; no homozygotes.

Submissions (2):

GeneDx
Classification: Uncertain significance. Last evaluated: 2026-07-16. Review status: criteria provided, single submitter. Criteria: GeneDx Variant Classification Process June 2021. Collection method: clinical testing. Allele origin: germline.
Comment: Not observed at significant frequency in large population cohorts (gnomAD); In silico analysis supports that this missense variant does not alter protein structure/function; Has not been previously published as pathogenic or benign to our knowledge

Ambry Genetics
Classification: Uncertain significance for Inborn genetic diseases. Last evaluated: 2021-08-23. Review status: criteria provided, single submitter. Criteria: Ambry Variant Classification Scheme 2023. Collection method: clinical testing. Allele origin: germline.

NM_145886.4(PIDD1):c.278G>A (p.Arg93His)

Gene: PIDD1 (p53-induced death domain protein 1; minus strand). Cytogenetic location: 11p15.5.
Variant type: single nucleotide variant.
Coding change: c.278G>A on transcript NM_145886.4 (MANE Select); coding-DNA position 278, G replaced by A.
Protein change: p.Arg93His; replaces arginine 93 with histidine.
Molecular consequence: missense variant.
Genome position (GRCh38, 1-based): chr11:804,111, C>T on the plus strand (G>A on the coding strand, the complement: PIDD1 is on the minus strand). VCF-style: chr11-804111-C-T. GRCh37 (hg19) VCF-style: chr11-804111-C-T.
Other names: c.278G>A, p.Arg93His (NM_145887.4); short protein forms R93H.
Identifiers: ClinVar variation 2223194 (VCV002223194.4), dbSNP rs533514354, ClinGen allele CA5790523.